The following is an entry in ClinVar:

NM_003924.4(PHOX2B):c.603T>C (p.Asn201=)

Gene: PHOX2B (paired like homeobox 2B; minus strand). Cytogenetic location: 4p13.
Variant type: single nucleotide variant.
Coding change: c.603T>C on transcript NM_003924.4 (MANE Select); coding-DNA position 603, T replaced by C.
Protein change: p.Asn201=; no amino-acid change (asparagine 201 retained).
Molecular consequence: synonymous variant.
Genome position (GRCh38, 1-based): chr4:41,746,149, A>G on the plus strand (T>C on the coding strand, the complement: PHOX2B is on the minus strand). VCF-style: chr4-41746149-A-G. GRCh37 (hg19) VCF-style: chr4-41748166-A-G.
Identifiers: ClinVar variation 4084798 (VCV004084798.8).

ClinVar aggregate classification (germline): Likely benign (1 of 4 stars; one submission).

Submission:

CeGaT Center for Human Genetics Tuebingen
Classification: Likely benign. Last evaluated: 2025-08-01. Review status: criteria provided, single submitter. Criteria: CeGaT Center For Human Genetics Tuebingen Variant Classification Criteria Version 2. Collection method: clinical testing. Allele origin: germline. Affected: yes. Observed: 1 variant allele.
Comment: PHOX2B: PM2:Supporting, BP4, BP7